The following is an entry in ClinVar:

ClinVar aggregate classification (germline): Uncertain significance (1 of 4 stars; one submission).

Submission:

GeneDx
Classification: Uncertain significance. Last evaluated: 2024-10-16. Review status: criteria provided, single submitter. Criteria: GeneDx Variant Classification Process June 2021. Collection method: clinical testing. Allele origin: germline. Affected: yes.
Comment: Not observed at significant frequency in large population cohorts (gnomAD); In silico analysis supports that this missense variant has a deleterious effect on protein structure/function; Has not been previously published as pathogenic or benign to our knowledge

NM_032119.4(ADGRV1):c.16072A>T (p.Ile5358Phe)

Gene: ADGRV1 (adhesion G protein-coupled receptor V1; plus strand). Cytogenetic location: 5q14.3.
Variant type: single nucleotide variant.
Coding change: c.16072A>T on transcript NM_032119.4 (MANE Select); coding-DNA position 16072, A replaced by T.
Protein change: p.Ile5358Phe; replaces isoleucine 5358 with phenylalanine.
Molecular consequence: missense variant. On other transcripts: non-coding transcript variant (1).
Genome position (GRCh38, 1-based): chr5:90,811,332, A>T. VCF-style: chr5-90811332-A-T. GRCh37 (hg19) VCF-style: chr5-90107149-A-T.
Other names: short protein forms I5358F.
Identifiers: ClinVar variation 3781086 (VCV003781086.1).